The following is an entry in ClinVar:

NM_012186.3(FOXE3):c.546G>A (p.Pro182=)

Genes: FOXE3 (forkhead box E3; plus strand), LINC01389 (long independently transcribed non-coding RNA 1389; minus strand). Cytogenetic location: 1p33.
Variant type: single nucleotide variant.
Coding change: c.546G>A on transcript NM_012186.3 (MANE Select); coding-DNA position 546, G replaced by A.
Protein change: p.Pro182=; no amino-acid change (proline 182 retained).
Molecular consequence: synonymous variant.
Genome position (GRCh38, 1-based): chr1:47,416,861, G>A. VCF-style: chr1-47416861-G-A. GRCh37 (hg19) VCF-style: chr1-47882533-G-A.
Identifiers: ClinVar variation 4259172 (VCV004259172.2).

ClinVar aggregate classification (germline): Conflicting classifications of pathogenicity. Review status: criteria provided, conflicting classifications (1 of 4 stars). 2 submissions from 2 submitters: Uncertain significance (1); Likely benign (1). Last evaluated 2025-12-08.

Conditions:
Cardiovascular phenotype. Identifiers: MedGen CN230736.
Anterior segment dysgenesis. Also called: Ocular anterior segment dysgenesis. Identifiers: Orphanet 88632, MedGen C1862839, MONDO:0019503, HP:0007700.
Congenital primary aphakia. Also called: ANTERIOR SEGMENT DYSGENESIS 2; Anterior segment dysgenesis 2, multiple subtypes. Identifiers: Orphanet 83461, MedGen C1853230, MONDO:0012456, OMIM 610256.

Submissions (2):

Labcorp Genetics (formerly Invitae), Labcorp
Classification: Uncertain significance for Anterior segment dysgenesis; Congenital primary aphakia. Last evaluated: 2025-12-08. Review status: criteria provided, single submitter. Criteria: Invitae Variant Classification Sherloc (09022015). Collection method: clinical testing. Allele origin: germline.
Comment: This sequence change affects codon 182 of the FOXE3 mRNA. It is a 'silent' change, meaning that it does not change the encoded amino acid sequence of the FOXE3 protein. This variant is not present in population databases (gnomAD no frequency). This variant has not been reported in the literature in individuals affected with FOXE3-related conditions. ClinVar contains an entry for this variant (Variation ID: 4259172). In summary, the available evidence is currently insufficient to determine the role of this variant in disease. Therefore, it has been classified as a Variant of Uncertain Significance.

Ambry Genetics
Classification: Likely benign for Cardiovascular phenotype. Last evaluated: 2025-07-03. Review status: criteria provided, single submitter. Criteria: Ambry Variant Classification Scheme 2023. Collection method: clinical testing. Allele origin: germline.